The following is an entry in ClinVar:

ClinVar aggregate classification (germline): Uncertain significance (1 of 4 stars; one submission).

Allele frequency attached by ClinVar (database versions not stated): gnomAD 0.00001.
gnomAD v4.1: 1 of 1,614,056 alleles (0.000062%); highest among the groups gnomAD compares: Admixed American, 0.0017%; no homozygotes.

Submission:

Labcorp Genetics (formerly Invitae), Labcorp
Classification: Uncertain significance. Last evaluated: 2024-02-24. Review status: criteria provided, single submitter. Criteria: Invitae Variant Classification Sherloc (09022015). Collection method: clinical testing. Allele origin: germline.
Comment: This sequence change replaces valine, which is neutral and non-polar, with alanine, which is neutral and non-polar, at codon 275 of the NEK2 protein (p.Val275Ala). This variant is not present in population databases (gnomAD no frequency). This variant has not been reported in the literature in individuals affected with NEK2-related conditions. ClinVar contains an entry for this variant (Variation ID: 1498290). An algorithm developed to predict the effect of missense changes on protein structure and function (PolyPhen-2) suggests that this variant is likely to be tolerated. In summary, the available evidence is currently insufficient to determine the role of this variant in disease. Therefore, it has been classified as a Variant of Uncertain Significance.

NM_002497.4(NEK2):c.824T>C (p.Val275Ala)

Gene: NEK2 (NIMA related kinase 2; minus strand). Cytogenetic location: 1q32.3.
Variant type: single nucleotide variant.
Coding change: c.824T>C on transcript NM_002497.4 (MANE Select); coding-DNA position 824, T replaced by C.
Protein change: p.Val275Ala; replaces valine 275 with alanine.
Molecular consequence: missense variant.
Genome position (GRCh38, 1-based): chr1:211,669,274, A>G on the plus strand (T>C on the coding strand, the complement: NEK2 is on the minus strand). VCF-style: chr1-211669274-A-G. GRCh37 (hg19) VCF-style: chr1-211842616-A-G.
Other names: c.824T>C, p.Val275Ala (NM_001204182.2, NM_001204183.2); short protein forms V275A.
Identifiers: ClinVar variation 1498290 (VCV001498290.8), dbSNP rs1655284883, ClinGen allele CA344779070.
Genomic context (GRCh38, chr1:211,669,274, plus strand): 5'-TTTTCTGGCTCTCCTAATTGTCGCCCTCTTCTCTCAAGATTTCTTCTTTGCTCGTCTGCA[A>G]CCAAATCTGCTATTAAAGGGTTCTCAAGAATTTCTTCAACAGAAGGTCGATGGTAATCCT-3'
Protein context (NP_002488.1, residues 265-285): ILENPLIADL[Val275Ala]ADEQRRNLER